The following is an entry in ClinVar:

ClinVar aggregate classification (germline): Uncertain significance (1 of 4 stars; one submission).

Allele frequency attached by ClinVar (database versions not stated): gnomAD exomes below 0.00001.
gnomAD v4.1: 1 of 1,236,794 alleles (0.000081%); highest among the groups gnomAD compares: Non-Finnish European, 0.0001%; no homozygotes.

Submission:

Labcorp Genetics (formerly Invitae), Labcorp
Classification: Uncertain significance. Last evaluated: 2023-11-27. Review status: criteria provided, single submitter. Criteria: Invitae Variant Classification Sherloc (09022015). Collection method: clinical testing. Allele origin: germline.
Comment: This sequence change replaces proline, which is neutral and non-polar, with serine, which is neutral and polar, at codon 63 of the FBXO11 protein (p.Pro63Ser). This variant is not present in population databases (gnomAD no frequency). This variant has not been reported in the literature in individuals affected with FBXO11-related conditions. Experimental studies and prediction algorithms are not available or were not evaluated, and the functional significance of this variant is currently unknown. In summary, the available evidence is currently insufficient to determine the role of this variant in disease. Therefore, it has been classified as a Variant of Uncertain Significance.

NM_001190274.2(FBXO11):c.187C>T (p.Pro63Ser)

Gene: FBXO11 (F-box protein 11; minus strand). Cytogenetic location: 2p16.3.
Variant type: single nucleotide variant.
Coding change: c.187C>T on transcript NM_001190274.2 (MANE Select); coding-DNA position 187, C replaced by T.
Protein change: p.Pro63Ser; replaces proline 63 with serine.
Molecular consequence: missense variant.
Genome position (GRCh38, 1-based): chr2:47,905,534, G>A on the plus strand (C>T on the coding strand, the complement: FBXO11 is on the minus strand). VCF-style: chr2-47905534-G-A. GRCh37 (hg19) VCF-style: chr2-48132673-G-A.
Other names: short protein forms P63S.
Identifiers: ClinVar variation 2860462 (VCV002860462.3), dbSNP rs1678724352, ClinGen allele CA346812553.